The following is an entry in ClinVar:

ClinVar aggregate classification (germline): Uncertain significance. Review status: criteria provided, multiple submitters, no conflicts (2 of 4 stars). 2 submissions from 2 submitters: Uncertain significance (2). Last evaluated 2025-07-09.

Conditions:
Neurofibromatosis, type 1 (NF1). Also called: Peripheral type neurofibromatosis; Neurofibromatosis, type I; VON RECKLINGHAUSEN DISEASE; NEUROFIBROMATOSIS, TYPE I, SOMATIC. Identifiers: Orphanet 636, MedGen C0027831, MONDO:0018975, OMIM 162200. Disease mechanism: loss of function.
Cafe au lait spots, multiple. Also called: Neurofibromatosis type 6. Identifiers: Orphanet 2678, MedGen C1861975, MONDO:0007245, OMIM 114030, HP:0007565. Disease mechanism: loss of function.

Submissions (2):

Clinical Genetics Laboratory, Skane University Hospital Lund
Classification: Uncertain significance for Cafe au lait spots, multiple. Last evaluated: 2025-07-09. Review status: criteria provided, single submitter. Criteria: ACMG Guidelines, 2015. Collection method: clinical testing. Allele origin: germline. Affected: yes.
Comment: ACMG criteria applied: PM2, PP3.

Labcorp Genetics (formerly Invitae), Labcorp
Classification: Uncertain significance for Neurofibromatosis, type 1. Last evaluated: 2023-08-17. Review status: criteria provided, single submitter. Criteria: Invitae Variant Classification Sherloc (09022015). Collection method: clinical testing. Allele origin: germline.
Comment: This variant has not been reported in the literature in individuals affected with NF1-related conditions. In summary, the available evidence is currently insufficient to determine the role of this variant in disease. Therefore, it has been classified as a Variant of Uncertain Significance. Advanced modeling of protein sequence and biophysical properties (such as structural, functional, and spatial information, amino acid conservation, physicochemical variation, residue mobility, and thermodynamic stability) performed at Invitae indicates that this missense variant is expected to disrupt NF1 protein function. ClinVar contains an entry for this variant (Variation ID: 569677). This variant is not present in population databases (gnomAD no frequency). This sequence change replaces isoleucine, which is neutral and non-polar, with leucine, which is neutral and non-polar, at codon 1958 of the NF1 protein (p.Ile1958Leu).

NM_001042492.3(NF1):c.5935A>T (p.Ile1979Leu)

Gene: NF1 (neurofibromin 1; plus strand). Cytogenetic location: 17q11.2.
Variant type: single nucleotide variant.
Coding change: c.5935A>T on transcript NM_001042492.3 (MANE Select); coding-DNA position 5935, A replaced by T.
Protein change: p.Ile1979Leu; replaces isoleucine 1979 with leucine.
Molecular consequence: missense variant.
Genome position (GRCh38, 1-based): chr17:31,334,960, A>T. VCF-style: chr17-31334960-A-T. GRCh37 (hg19) VCF-style: chr17-29661978-A-T.
Other names: c.5872A>T, p.Ile1958Leu (NM_000267.4); short protein forms I1958L, I1979L.
Identifiers: ClinVar variation 569677 (VCV000569677.6), dbSNP rs775480099, ClinGen allele CA399010821.